The following is an entry in ClinVar:

ClinVar aggregate classification (germline): Likely benign. Review status: criteria provided, multiple submitters, no conflicts (2 of 4 stars). 3 submissions from 3 submitters: Likely benign (2). 1 of the submissions does not count toward it. Last evaluated 2025-12-20.

Conditions:
Nemaline myopathy 2 (NEM2). Also called: Nemaline myopathy 2, autosomal recessive. Identifiers: MedGen C1850569, MONDO:0009725, OMIM 256030.

Allele frequency attached by ClinVar (database versions not stated): gnomAD exomes below 0.00001 and 0.00001; TOPMed 0.00001; ExAC 0.00002.
gnomAD v4.1: 8 of 1,613,720 alleles (0.0005%); highest among the groups gnomAD compares: Non-Finnish European, 0.00068%; no homozygotes.

Submissions (3):

Labcorp Genetics (formerly Invitae), Labcorp
Classification: Likely benign for Nemaline myopathy 2. Last evaluated: 2025-12-20. Review status: criteria provided, single submitter. Criteria: Invitae Variant Classification Sherloc (09022015). Collection method: clinical testing. Allele origin: germline.

CeGaT Center for Human Genetics Tuebingen
Classification: Likely benign. Last evaluated: 2023-07-01. Review status: criteria provided, single submitter. Criteria: CeGaT Center For Human Genetics Tuebingen Variant Classification Criteria Version 2. Collection method: clinical testing. Allele origin: germline. Affected: yes. Observed: 1 variant allele.
Comment: NEB: BP4, BP7

Natera, Inc.
Classification: Uncertain significance for Nemaline myopathy type 2. Last evaluated: 2025-03-24. Review status: no assertion criteria provided. Collection method: clinical testing. Allele origin: germline. Not counted in ClinVar's aggregate classification.

NM_001164508.2(NEB):c.453T>C (p.Asp151=)

Gene: NEB (nebulin; minus strand). Cytogenetic location: 2q23.3.
Variant type: single nucleotide variant.
Coding change: c.453T>C on transcript NM_001164508.2 (MANE Select); coding-DNA position 453, T replaced by C.
Protein change: p.Asp151=; no amino-acid change (aspartic acid 151 retained).
Molecular consequence: synonymous variant.
Genome position (GRCh38, 1-based): chr2:151,724,911, A>G on the plus strand (T>C on the coding strand, the complement: NEB is on the minus strand). VCF-style: chr2-151724911-A-G. GRCh37 (hg19) VCF-style: chr2-152581425-A-G.
Other names: c.453T>C, p.Asp151= (NM_001164507.2, NM_001271208.2, NM_004543.5); c.453T>C (NM_001271208.1).
Identifiers: ClinVar variation 1621418 (VCV001621418.33), dbSNP rs759482454, ClinGen allele CA1911892.